The following is an entry in ClinVar:

ClinVar aggregate classification (germline): Benign/Likely benign. Review status: criteria provided, multiple submitters, no conflicts (2 of 4 stars). 2 submissions from 2 submitters: Benign (1); Likely benign (1). Last evaluated 2026-06-01.

Conditions:
Hereditary spastic paraplegia 2 (SPG2). Also called: SPASTIC PARAPLEGIA 2, X-LINKED; Spastic Paraplegia 2 (SPG2). Identifiers: Orphanet 99015, MedGen C0751604, MONDO:0010733, OMIM 312920.

Allele frequency attached by ClinVar (database versions not stated): gnomAD 0.00002; gnomAD exomes 0.00002 and 0.00008; ExAC 0.00003; TOPMed 0.00005.
gnomAD v4.1: 19 of 1,206,936 alleles (0.0016%); highest among the groups gnomAD compares: Admixed American, 0.039%; no homozygotes.

Submissions (2):

CeGaT Center for Human Genetics Tuebingen
Classification: Likely benign. Last evaluated: 2026-06-01. Review status: criteria provided, single submitter. Criteria: CeGaT Center For Human Genetics Tuebingen Variant Classification Criteria Version 2. Collection method: clinical testing. Allele origin: germline. Affected: yes. Observed: 1 variant allele.
Comment: PLP1: BP4, BP7, BS2

Labcorp Genetics (formerly Invitae), Labcorp
Classification: Benign for Hereditary spastic paraplegia 2. Last evaluated: 2025-10-07. Review status: criteria provided, single submitter. Criteria: Invitae Variant Classification Sherloc (09022015). Collection method: clinical testing. Allele origin: germline.

NM_000533.5(PLP1):c.666C>T (p.Ser222=)

Genes: PLP1 (proteolipid protein 1; plus strand), RAB9B (RAB9B, member RAS oncogene family; minus strand). Cytogenetic location: Xq22.2.
Variant type: single nucleotide variant.
Coding change: c.666C>T on transcript NM_000533.5 (MANE Select); coding-DNA position 666, C replaced by T.
Protein change: p.Ser222=; no amino-acid change (serine 222 retained).
Molecular consequence: synonymous variant.
Genome position (GRCh38, 1-based): chrX:103,788,480, C>T. VCF-style: chrX-103788480-C-T. GRCh37 (hg19) VCF-style: chrX-103043409-C-T.
Other names: c.666C>T, p.Ser222= (NM_001128834.3); c.501C>T, p.Ser167= (NM_001305004.1); c.561C>T, p.Ser187= (NM_199478.3).
Identifiers: ClinVar variation 1659652 (VCV001659652.10), dbSNP rs773350786, ClinGen allele CA10479020.